The following is an entry in ClinVar:

NM_001114753.3(ENG):c.1307A>C (p.Gln436Pro)

Genes: ENG (endoglin; minus strand), LOC102723566 (uncharacterized LOC102723566; plus strand). Cytogenetic location: 9q34.11.
Variant type: single nucleotide variant.
Coding change: c.1307A>C on transcript NM_001114753.3 (MANE Select); coding-DNA position 1307, A replaced by C.
Protein change: p.Gln436Pro; replaces glutamine 436 with proline.
Molecular consequence: missense variant.
Genome position (GRCh38, 1-based): chr9:127,819,626, T>G on the plus strand (A>C on the coding strand, the complement: ENG is on the minus strand). VCF-style: chr9-127819626-T-G. GRCh37 (hg19) VCF-style: chr9-130581905-T-G.
Other names: c.1307A>C, p.Gln436Pro (NM_000118.4); c.761A>C, p.Gln254Pro (NM_001278138.2); short protein forms Q254P, Q436P.
Identifiers: ClinVar variation 4843438 (VCV004843438.1).

ClinVar aggregate classification (germline): Uncertain significance (1 of 4 stars; one submission).

Conditions:
Cardiovascular phenotype. Identifiers: MedGen CN230736.

Submission:

Ambry Genetics
Classification: Uncertain significance for Cardiovascular phenotype. Last evaluated: 2026-02-16. Review status: criteria provided, single submitter. Criteria: Ambry Variant Classification Scheme 2023. Collection method: clinical testing. Allele origin: germline.
Comment: The p.Q436P variant (also known as c.1307A>C), located in coding exon 10 of the ENG gene, results from an A to C substitution at nucleotide position 1307. The glutamine at codon 436 is replaced by proline, an amino acid with similar properties. This amino acid position is conserved. In addition, this alteration is predicted to be tolerated by in silico analysis. Based on the available evidence, the clinical significance of this variant remains unclear.